The following is an entry in ClinVar:

ClinVar aggregate classification (germline): Uncertain significance (1 of 4 stars; one submission).

Conditions:
Hereditary cancer-predisposing syndrome. Also called: Tumor predisposition; Hereditary neoplastic syndrome; Hereditary Cancer Syndrome; Neoplastic Syndromes, Hereditary. Identifiers: Orphanet 140162, MedGen C0027672, MeSH D009386, MONDO:0015356.

Submission:

Ambry Genetics
Classification: Uncertain significance for Hereditary cancer-predisposing syndrome. Last evaluated: 2023-10-13. Review status: criteria provided, single submitter. Criteria: Ambry Variant Classification Scheme 2023. Collection method: clinical testing. Allele origin: germline.
Comment: The p.M124T variant (also known as c.371T>C), located in coding exon 3 of the CTNNA1 gene, results from a T to C substitution at nucleotide position 371. The methionine at codon 124 is replaced by threonine, an amino acid with similar properties. This amino acid position is highly conserved in available vertebrate species. In addition, this alteration is predicted to be deleterious by in silico analysis. The evidence for this gene-disease relationship is limited; therefore, the clinical significance of this alteration is unclear.

NM_001903.5(CTNNA1):c.371T>C (p.Met124Thr)

Gene: CTNNA1 (catenin alpha 1; plus strand). Cytogenetic location: 5q31.2.
Variant type: single nucleotide variant.
Coding change: c.371T>C on transcript NM_001903.5 (MANE Select); coding-DNA position 371, T replaced by C.
Protein change: p.Met124Thr; replaces methionine 124 with threonine.
Molecular consequence: missense variant. On other transcripts: initiator codon variant (1).
Genome position (GRCh38, 1-based): chr5:138,810,107, T>C. VCF-style: chr5-138810107-T-C. GRCh37 (hg19) VCF-style: chr5-138145796-T-C.
Other names: c.371T>C, p.Met124Thr (NM_001290307.3, NM_001323982.2, NM_001323983.1 and 3 more transcripts); c.62T>C, p.Met21Thr (NM_001290309.3); c.2T>C, p.Met1Thr (NM_001290310.3); short protein forms M124T, M1T, M21T.
Identifiers: ClinVar variation 3221915 (VCV003221915.1), dbSNP rs2532330092, ClinGen allele CA361123060.